The following is an entry in ClinVar:

ClinVar aggregate classification (germline): Uncertain significance. Review status: criteria provided, multiple submitters, no conflicts (2 of 4 stars). 2 submissions from 2 submitters: Uncertain significance (2). Last evaluated 2024-02-09.

Conditions:
Episodic ataxia type 2 (EA2). Also called: ATAXIA, EPISODIC, WITH NYSTAGMUS; ATAXIA, FAMILIAL PAROXYSMAL; CEREBELLAR ATAXIA, PAROXYSMAL, ACETAZOLAMIDE-RESPONSIVE; CEREBELLOPATHY, HEREDITARY PAROXYSMAL; EPISODIC ATAXIA, NYSTAGMUS-ASSOCIATED; ACETAZOLAMIDE-RESPONSIVE HEREDITARY PAROXYSMAL CEREBELLAR ATAXIA. Identifiers: Orphanet 97, MedGen C1720416, MONDO:0007163, OMIM 108500.
Developmental and epileptic encephalopathy, 42 (DEE42A). Also called: Epileptic encephalopathy, early infantile, 42; DEVELOPMENTAL AND EPILEPTIC ENCEPHALOPATHY 42A; EPILEPTIC ENCEPHALOPATHY, EARLY INFANTILE, 42A. Identifiers: MedGen C4310716, MONDO:0014917, OMIM 617106.

Allele frequency attached by ClinVar (database versions not stated): gnomAD exomes below 0.00001.
gnomAD v4.1: 6 of 1,606,594 alleles (0.00037%); highest among the groups gnomAD compares: Non-Finnish European, 0.00042%; no homozygotes.

Submissions (2):

Labcorp Genetics (formerly Invitae), Labcorp
Classification: Uncertain significance for Developmental and epileptic encephalopathy, 42; Episodic ataxia type 2. Last evaluated: 2024-02-09. Review status: criteria provided, single submitter. Criteria: Invitae Variant Classification Sherloc (09022015). Collection method: clinical testing. Allele origin: germline.
Comment: This sequence change replaces arginine, which is basic and polar, with glutamine, which is neutral and polar, at codon 791 of the CACNA1A protein (p.Arg791Gln). This variant is not present in population databases (gnomAD no frequency). This variant has not been reported in the literature in individuals affected with CACNA1A-related conditions. ClinVar contains an entry for this variant (Variation ID: 1308917). Advanced modeling of protein sequence and biophysical properties (such as structural, functional, and spatial information, amino acid conservation, physicochemical variation, residue mobility, and thermodynamic stability) performed at Invitae indicates that this missense variant is not expected to disrupt CACNA1A protein function with a negative predictive value of 95%. In summary, the available evidence is currently insufficient to determine the role of this variant in disease. Therefore, it has been classified as a Variant of Uncertain Significance.

GeneDx
Classification: Uncertain significance. Last evaluated: 2019-10-11. Review status: criteria provided, single submitter. Criteria: GeneDx Variant Classification Process June 2021. Collection method: clinical testing. Allele origin: germline. Affected: yes.
Comment: Not observed in large population cohorts (Lek et al., 2016); In silico analysis, which includes protein predictors and evolutionary conservation, supports that this variant does not alter protein structure/function; Has not been previously published as pathogenic or benign to our knowledge

NM_001127222.2(CACNA1A):c.2369G>A (p.Arg790Gln)

Gene: CACNA1A (calcium voltage-gated channel subunit alpha1 A; minus strand). Cytogenetic location: 19p13.13.
Variant type: single nucleotide variant.
Coding change: c.2369G>A on transcript NM_001127222.2 (MANE Select); coding-DNA position 2369, G replaced by A.
Protein change: p.Arg790Gln; replaces arginine 790 with glutamine.
Molecular consequence: missense variant.
Genome position (GRCh38, 1-based): chr19:13,299,264, C>T on the plus strand (G>A on the coding strand, the complement: CACNA1A is on the minus strand). VCF-style: chr19-13299264-C-T. GRCh37 (hg19) VCF-style: chr19-13410078-C-T.
Other names: c.2381G>A, p.Arg794Gln (NM_000068.4, NM_023035.3); c.2372G>A, p.Arg791Gln (NM_001127221.2, NM_001174080.2); short protein forms R790Q, R791Q, R794Q.
Identifiers: ClinVar variation 1308917 (VCV001308917.4), dbSNP rs2144957956, ClinGen allele CA404343602.
Genomic context (GRCh38, chr19:13,299,264, plus strand): 5'-TGCCGCGTGTAGGCAGCCTTCCAGCGCTCGTCCGGGTCCATTTCGTTATACAGGGCCTCC[C>T]GGCTGGCCAGCAAGTTCTGCTTTCGCATCTCACTGGTCCGCTGCTCCCACACGGACTTGG-3'
Protein context (NP_001120694.1, residues 780-800): EMRKQNLLAS[Arg790Gln]EALYNEMDPD